The following is an entry in ClinVar:

NM_000327.4(ROM1):c.727C>T (p.Gln243Ter)

Gene: ROM1 (retinal outer segment membrane protein 1; plus strand). Cytogenetic location: 11q12.3.
Variant type: single nucleotide variant.
Coding change: c.727C>T on transcript NM_000327.4 (MANE Select); coding-DNA position 727, C replaced by T.
Protein change: p.Gln243Ter; replaces glutamine 243 with a stop codon.
Molecular consequence: nonsense.
Genome position (GRCh38, 1-based): chr11:62,614,394, C>T. VCF-style: chr11-62614394-C-T. GRCh37 (hg19) VCF-style: chr11-62381866-C-T.
Other names: short protein forms Q243*.
Identifiers: ClinVar variation 3693219 (VCV003693219.2).

ClinVar aggregate classification (germline): Uncertain significance (1 of 4 stars; one submission).

Submission:

Labcorp Genetics (formerly Invitae), Labcorp
Classification: Uncertain significance. Last evaluated: 2024-07-05. Review status: criteria provided, single submitter. Criteria: Invitae Variant Classification Sherloc (09022015). Collection method: clinical testing. Allele origin: germline.
Comment: This sequence change creates a premature translational stop signal (p.Gln243*) in the ROM1 gene. It is expected to result in an absent or disrupted protein product. However, the current clinical and genetic evidence is not sufficient to establish whether loss-of-function variants in ROM1 cause disease. This variant is present in population databases (rs750822212, gnomAD 0.003%). This variant has not been reported in the literature in individuals affected with ROM1-related conditions. In summary, the available evidence is currently insufficient to determine the role of this variant in disease. Therefore, it has been classified as a Variant of Uncertain Significance.